The following is an entry in ClinVar:

NM_016239.4(MYO15A):c.3623G>A (p.Arg1208His)

Gene: MYO15A (myosin XVA; plus strand). Cytogenetic location: 17p11.2.
Variant type: single nucleotide variant.
Coding change: c.3623G>A on transcript NM_016239.4 (MANE Select); coding-DNA position 3623, G replaced by A.
Protein change: p.Arg1208His; replaces arginine 1208 with histidine.
Molecular consequence: missense variant.
Genome position (GRCh38, 1-based): chr17:18,124,496, G>A. VCF-style: chr17-18124496-G-A. GRCh37 (hg19) VCF-style: chr17-18027810-G-A.
Other names: short protein forms R1208H.
Identifiers: ClinVar variation 322131 (VCV000322131.33), dbSNP rs778112788, ClinGen allele CA8423518.
Genomic context (GRCh38, chr17:18,124,496, plus strand): 5'-GGGGGGTGCCCTTCAACCTGCAGACACAGCCTCTCTCTCTCACACAGATGCACTCCATCC[G>A]CAACCTGCCATCCATGCGGTTCCGTGAGCAGCACGGGGAGGATGGTGTGGAGGACATGAC-3'
Protein context (NP_057323.3, residues 1198-1218): PSWRNKMHSI[Arg1208His]NLPSMRFREQ

ClinVar aggregate classification (germline): Uncertain significance. Review status: criteria provided, multiple submitters, no conflicts (2 of 4 stars). 4 submissions from 4 submitters: Uncertain significance (4). Last evaluated 2025-09-30.

Conditions:
Autosomal recessive nonsyndromic hearing loss 3. Also called: NEUROSENSORY NONSYNDROMIC RECESSIVE DEAFNESS 3. Identifiers: Orphanet 90636, MedGen C1838263, MONDO:0010860, OMIM 600316.

Allele frequency attached by ClinVar (database versions not stated): gnomAD 0.00005 and 0.00003; ExAC 0.00003; gnomAD exomes 0.00004; TOPMed 0.00004.
gnomAD v4.1: 124 of 1,612,050 alleles (0.0077%); highest among the groups gnomAD compares: Middle Eastern, 0.099%; no homozygotes.

Submissions (4):

Labcorp Genetics (formerly Invitae), Labcorp
Classification: Uncertain significance. Last evaluated: 2025-09-30. Review status: criteria provided, single submitter. Criteria: Invitae Variant Classification Sherloc (09022015). Collection method: clinical testing. Allele origin: germline.
Comment: This sequence change replaces arginine, which is basic and polar, with histidine, which is basic and polar, at codon 1208 of the MYO15A protein (p.Arg1208His). This variant is present in population databases (rs778112788, gnomAD 0.007%). This variant has not been reported in the literature in individuals affected with MYO15A-related conditions. ClinVar contains an entry for this variant (Variation ID: 322131). Invitae Evidence Modeling of protein sequence and biophysical properties (such as structural, functional, and spatial information, amino acid conservation, physicochemical variation, residue mobility, and thermodynamic stability) indicates that this missense variant is not expected to disrupt MYO15A protein function with a negative predictive value of 95%. In summary, the available evidence is currently insufficient to determine the role of this variant in disease. Therefore, it has been classified as a Variant of Uncertain Significance.

CeGaT Center for Human Genetics Tuebingen
Classification: Uncertain significance. Last evaluated: 2023-07-01. Review status: criteria provided, single submitter. Criteria: CeGaT Center For Human Genetics Tuebingen Variant Classification Criteria Version 2. Collection method: clinical testing. Allele origin: germline. Affected: yes. Observed: 2 variant alleles.
Comment: MYO15A: PM2, PM3:Supporting, PP4

Illumina Laboratory Services, Illumina
Classification: Uncertain significance for Autosomal recessive nonsyndromic hearing loss 3. Last evaluated: 2018-01-12. Review status: criteria provided, single submitter. Criteria: ICSL Variant Classification Criteria 13 December 2019. Collection method: clinical testing. Allele origin: germline.

Breakthrough Genomics
Classification: Uncertain significance. Review status: criteria provided, single submitter. Criteria: ACMG Guidelines, 2015. Collection method: not provided. Allele origin: germline. Inheritance: Autosomal recessive inheritance. Affected: yes.